The following is an entry in ClinVar:

ClinVar aggregate classification (germline): Uncertain significance (1 of 4 stars; one submission).

Submission:

GeneDx
Classification: Uncertain significance. Last evaluated: 2024-03-04. Review status: criteria provided, single submitter. Criteria: GeneDx Variant Classification Process June 2021. Collection method: clinical testing. Allele origin: germline. Affected: yes.
Comment: Not observed at significant frequency in large population cohorts (gnomAD); In silico analysis supports that this missense variant does not alter protein structure/function; Has not been previously published as pathogenic or benign to our knowledge; Variants in candidate genes are classified as variants of uncertain significance in accordance with ACMG guidelines (PMID: 25741868)

NM_001282874.2(SMARCA1):c.2572A>G (p.Thr858Ala)

Gene: SMARCA1 (SNF2 related chromatin remodeling ATPase 1; minus strand). Cytogenetic location: Xq25.
Variant type: single nucleotide variant.
Coding change: c.2572A>G on transcript NM_001282874.2 (MANE Select); coding-DNA position 2572, A replaced by G.
Protein change: p.Thr858Ala; replaces threonine 858 with alanine.
Molecular consequence: missense variant.
Genome position (GRCh38, 1-based): chrX:129,468,899, T>C on the plus strand (A>G on the coding strand, the complement: SMARCA1 is on the minus strand). VCF-style: chrX-129468899-T-C. GRCh37 (hg19) VCF-style: chrX-128602876-T-C.
Other names: c.2536A>G, p.Thr846Ala (NM_001282875.2, NM_001378262.1, NM_001378263.1 and 1 more transcripts); c.2572A>G, p.Thr858Ala (NM_001378261.1, NM_003069.5); short protein forms T846A, T858A.
Identifiers: ClinVar variation 3899530 (VCV003899530.1).